The following is an entry in ClinVar:

ClinVar aggregate classification (germline): Conflicting classifications of pathogenicity. Review status: criteria provided, conflicting classifications (1 of 4 stars). 5 submissions from 5 submitters: Uncertain significance (2); Benign (1); Likely benign (1). 1 of the submissions does not count toward it. Last evaluated 2026-01-25.

Conditions:
CEP41-related disorder. Also called: CEP41-related condition.
Joubert syndrome 15 (JBTS15). Identifiers: Orphanet 475, MedGen C3280897, MONDO:0013763, OMIM 614464.

Allele frequency attached by ClinVar (database versions not stated): 1000 Genomes Project 30x 0.00062; 1000 Genomes Project 0.00080; gnomAD 0.00139 and 0.00152; TOPMed 0.00155; ESP Exome Variant Server 0.00169.
gnomAD v4.1: 484 of 1,612,618 alleles (0.03%); highest among the groups gnomAD compares: African/African-American, 0.46%; no homozygotes.

Submissions (5):

Labcorp Genetics (formerly Invitae), Labcorp
Classification: Likely benign for Joubert syndrome 15. Last evaluated: 2026-01-25. Review status: criteria provided, single submitter. Criteria: Invitae Variant Classification Sherloc (09022015). Collection method: clinical testing. Allele origin: germline.

Blueprint Genetics
Classification: Benign. Last evaluated: 2024-11-01. Review status: criteria provided, single submitter. Criteria: ACMG Guidelines, 2015. Collection method: clinical testing. Allele origin: germline.

GeneDx
Classification: Uncertain significance. Last evaluated: 2021-09-15. Review status: criteria provided, single submitter. Criteria: GeneDx Variant Classification Process June 2021. Collection method: clinical testing. Allele origin: germline. Affected: yes.
Comment: In silico analysis, which includes protein predictors and evolutionary conservation, supports a deleterious effect; Has not been previously published as pathogenic or benign to our knowledge

Illumina Laboratory Services, Illumina
Classification: Uncertain significance for Joubert syndrome 15. Last evaluated: 2018-01-13. Review status: criteria provided, single submitter. Criteria: ICSL Variant Classification Criteria 13 December 2019. Collection method: clinical testing. Allele origin: germline.

PreventionGenetics, part of Exact Sciences
Classification: Likely benign for CEP41-related condition. Last evaluated: 2020-03-11. Review status: no assertion criteria provided. Collection method: clinical testing. Allele origin: germline. Not counted in ClinVar's aggregate classification.
Comment: This variant is classified as likely benign based on ACMG/AMP sequence variant interpretation guidelines (Richards et al. 2015 PMID: 25741868, with internal and published modifications).

NM_018718.3(CEP41):c.20T>C (p.Ile7Thr)

Gene: CEP41 (centrosomal protein 41; minus strand). Cytogenetic location: 7q32.2.
Variant type: single nucleotide variant.
Coding change: c.20T>C on transcript NM_018718.3 (MANE Select); coding-DNA position 20, T replaced by C.
Protein change: p.Ile7Thr; replaces isoleucine 7 with threonine.
Molecular consequence: missense variant. On other transcripts: non-coding transcript variant (1).
Genome position (GRCh38, 1-based): chr7:130,440,947, A>G on the plus strand (T>C on the coding strand, the complement: CEP41 is on the minus strand). VCF-style: chr7-130440947-A-G. GRCh37 (hg19) VCF-style: chr7-130080788-A-G.
Other names: c.20T>C, p.Ile7Thr (NM_001257158.2, NM_001257159.2, NM_001257160.2); short protein forms I7T.
Identifiers: ClinVar variation 707167 (VCV000707167.22), dbSNP rs147494464, ClinGen allele CA4485751.